The following is an entry in ClinVar:

ClinVar aggregate classification (germline): Pathogenic. Review status: reviewed by expert panel (3 of 4 stars). 14 submissions from 14 submitters: Pathogenic (1). 13 of the submissions do not count toward it. Last evaluated 2018-12-10.

Conditions:
PAH-related disorder. Also called: PAH-related condition.
Phenylketonuria (PKU). Also called: Phenylketonuria (PKU); FOLLING DISEASE; OLIGOPHRENIA PHENYLPYRUVICA; Phenylketonurias. Identifiers: Orphanet 716, MedGen C0031485, MONDO:0009861, OMIM 261600. Disease mechanism: loss of function.
Hyperphenylalaninemia. Also called: Hyperphenylalaninemia, non-pku; Hyperphenylalaninemia (HPA); Hyperphenylalaninaemia. Identifiers: MedGen C0751435, HP:0004923.

Allele frequency attached by ClinVar (database versions not stated): TOPMed 0.00004.

Submissions (14):

ClinGen PAH Variant Curation Expert Panel
Classification: Pathogenic for Phenylketonuria. Last evaluated: 2018-12-10. Review status: reviewed by expert panel. Criteria: ClinGen PAH ACMG Specifications v1. Collection method: curation. Allele origin: germline. Inheritance: Autosomal recessive inheritance.
Comment: The c.529G>A (p.Val177Met) variant in PAH was detected in a patient with Mild hyperphenylalaninemia (BH4 deficiency ruled out). PMID: 12501224 It has been detected with known pathogenic variants R408W (PMID: 12501224), and IVS12+1G>A (PMID: 23764561). It is absent from 1000G, ESP, and gnomAD; and at extremely low frequency in ExAC (MAF=0.00003). A deleterious effect is predicted in SIFT, Polyphen-2, MutationTaster, and REVEL=0.89. A different pathogenic missense change has been seen at this amino acid (V177L). In summary, this variant meets criteria to be classified as pathogenic for PAH. PAH-specific ACMG/AMP criteria applied: PM3_strong, PM2, PM5, PP4_Moderate, PP3.

Labcorp Genetics (formerly Invitae), Labcorp
Classification: Pathogenic for Phenylketonuria. Last evaluated: 2026-01-22. Review status: criteria provided, single submitter. Criteria: Invitae Variant Classification Sherloc (09022015). Collection method: clinical testing. Allele origin: germline. Not counted in ClinVar's aggregate classification.
Comment: This sequence change replaces valine, which is neutral and non-polar, with methionine, which is neutral and non-polar, at codon 177 of the PAH protein (p.Val177Met). This variant is present in population databases (rs199475602, gnomAD 0.003%). This missense change has been observed in individual(s) with mild hyperphenylalaninemia (PMID: 12501224, 17096675, 23430547, 23500595, 23764561, 27121329). ClinVar contains an entry for this variant (Variation ID: 102726). Invitae Evidence Modeling of protein sequence and biophysical properties (such as structural, functional, and spatial information, amino acid conservation, physicochemical variation, residue mobility, and thermodynamic stability) indicates that this missense variant is not expected to disrupt PAH protein function with a negative predictive value of 80%. This variant disrupts the p.Val177 amino acid residue in PAH. Other variant(s) that disrupt this residue have been determined to be pathogenic (PMID: 8659548, 21445337, 22526846). This suggests that this residue is clinically significant, and that variants that disrupt this residue are likely to be disease-causing. For these reasons, this variant has been classified as Pathogenic.

GeneDx
Classification: Pathogenic. Last evaluated: 2025-09-18. Review status: criteria provided, single submitter. Criteria: GeneDx Variant Classification Process June 2021. Collection method: clinical testing. Allele origin: germline. Affected: yes. Not counted in ClinVar's aggregate classification.
Comment: Classified as responsive to tetrahydrobiopterin (BH4) therapy (PMID: 17935162, 22388642); In silico analysis supports that this missense variant has a deleterious effect on protein structure/function; Not observed at significant frequency in large population cohorts (gnomAD); This variant is associated with the following publications: (PMID: 12649065, 23500595, 12501224, 17924342, 23430547, 17096675, 23764561, 34426522, 31589614, 35405047, 22388642, 27121329, 17935162)

Natera, Inc.
Classification: Pathogenic for Phenylketonuria. Last evaluated: 2025-08-28. Review status: criteria provided, single submitter. Criteria: Natera Variant Classification Schema (03/2026). Collection method: clinical testing. Allele origin: germline. Not counted in ClinVar's aggregate classification.
Comment: The c.529G>A variant in PAH is a missense variant predicted to cause substitution of valine to methionine at amino acid 177. This variant is rare in the general population with a frequency below the threshold expected for the associated phenotype(s). This variant has been observed in one or more individuals affected with the associated recessive disease, as either homozygous or compound heterozygous with a second variant (PMID: 23764561, 27121329, 35281663). Computational prediction algorithms indicate this variant is likely to affect gene or protein function. Given the available evidence, this variant is classified as Pathogenic.

Blueprint Genetics
Classification: Pathogenic for PAH-related disorders. Last evaluated: 2024-10-14. Review status: criteria provided, single submitter. Criteria: ACMG Guidelines, 2015. Collection method: clinical testing. Allele origin: germline. Affected: yes. Observed: 5 variant alleles. Not counted in ClinVar's aggregate classification.

Quest Diagnostics Nichols Institute San Juan Capistrano
Classification: Pathogenic. Last evaluated: 2024-10-01. Review status: criteria provided, single submitter. Criteria: Quest Diagnostics criteria. Collection method: clinical testing. Allele origin: unknown. Not counted in ClinVar's aggregate classification.
Comment: The PAH c.529G>A (p.Val177Met) variant has been reported in the published literature as heterozygous or compound heterozygous along with another pathogenic variant in several individuals with mild Hyperphenylalaninemia (PMID: 35405047 (2022), 27121329 (2016), 23430547 (2013), 23500595 (2013), 23764561 (2013), 17096675 (2007), 12501224 (2002)). Another variant at the same amino acid position, c.529G>C (p.Val177Leu), has been reported in individuals with Hyperphenylalaninemia (PMID: 8659548 (1996), 22526846 (2013)) and described as pathogenic in online databases (ClinVar). The frequency of this variant in the general population, 0.000031 (4/128966 chromosomes (Genome Aggregation Database)), is uninformative in the assessment of its pathogenicity. Analysis of this variant using bioinformatics tools for the prediction of the effect of amino acid changes on protein structure and function yielded predictions that this variant is damaging. Based on the available information, this variant is classified as pathogenic.

Revvity Omics, Revvity
Classification: Pathogenic for Phenylketonuria. Last evaluated: 2024-09-27. Review status: criteria provided, single submitter. Criteria: ACMG Guidelines, 2015. Collection method: clinical testing. Allele origin: germline. Not counted in ClinVar's aggregate classification.

Laboratory of Medical Genetics, National & Kapodistrian University of Athens
Classification: Pathogenic for Phenylketonuria. Last evaluated: 2024-02-01. Review status: criteria provided, single submitter. Criteria: ACMG Guidelines, 2015. Collection method: curation. Allele origin: germline. Affected: no. Not counted in ClinVar's aggregate classification.

Fulgent Genetics
Classification: Pathogenic for Phenylketonuria. Last evaluated: 2022-02-14. Review status: criteria provided, single submitter. Criteria: ACMG Guidelines, 2015. Collection method: clinical testing. Allele origin: unknown. Not counted in ClinVar's aggregate classification.

Genome-Nilou Lab
Classification: Pathogenic for Phenylketonuria. Last evaluated: 2021-07-22. Review status: criteria provided, single submitter. Criteria: ACMG Guidelines, 2015. Collection method: clinical testing. Allele origin: germline. Affected: no. Not counted in ClinVar's aggregate classification.

Women's Health and Genetics/Laboratory Corporation of America, LabCorp
Classification: Pathogenic for Hyperphenylalaninemia. Last evaluated: 2016-08-04. Review status: criteria provided, single submitter. Criteria: LabCorp Variant Classification Summary - May 2015. Collection method: clinical testing. Allele origin: germline. Not counted in ClinVar's aggregate classification.
Comment: Variant summary: The PAH c.529G>A (p.Val177Met) variant is located in the catalytic domain and causes a missense change involving a conserved nucleotide with 4/5 in silico tools predict a damaging outcome. The variant of interest was observed in the large, broad control population, ExAC, with an allele frequency of 2/120722 (1/60361), which does not exceed the estimated maximal expected allele frequency for a pathogenic PAH variant of 1/126. The variant of interest has been reported in multiple affected individuals as a compound heterozygote, predominanlty in patients with mild hyperphenylalaninemia. A database cites the variant, however, with no classification being provided. Furthermore, another variant at this position, V177L (c.529G>C), has been reported as a pathogenic variant, as well. Therefore, taking all available lines of evidence into consideration, the variant of interest has been classified as Pathogenic.

PreventionGenetics, part of Exact Sciences
Classification: Pathogenic for PAH-related condition. Last evaluated: 2024-07-05. Review status: no assertion criteria provided. Collection method: clinical testing. Allele origin: germline. Not counted in ClinVar's aggregate classification.
Comment: The PAH c.529G>A variant is predicted to result in the amino acid substitution p.Val177Met. This variant has been reported in individuals with mild hyperphenylalaninemia (see for example Muntau et al. 2002. PubMed ID: 12501224; Daniele et al. 2006. PubMed ID: 17096675; Djordjevic et al. 2012. PubMed ID: 23430547; Polak et al. 2013. PubMed ID: 23764561; Aldámiz-Echevarría et al. 2016. PubMed ID: 27121329). Alternative nucleotide substitutions at this amino acid position, including c.529G>C (p.Val177Leu) and c.530T>C (p.Val177Ala), have also been reported to be causative for phenylalanine hydroxylase deficiency (p.Val177Leu in Guldberg et al. 1996. PubMed ID: 8659548 and p.Val177Ala in Jennings et al. 2000. PubMed ID: 10980574). In ClinVar, the c.529G>A (p.Val177Met) variant is interpreted as pathogenic. This variant is reported in 0.0031% of alleles in individuals of European (Non-Finnish) descent in gnomAD. This variant is interpreted as pathogenic.

Counsyl
Classification: Likely pathogenic for Phenylketonuria. Last evaluated: 2017-11-17. Review status: no assertion criteria provided. Collection method: clinical testing. Allele origin: unknown. Not counted in ClinVar's aggregate classification.

DeBelle Laboratory for Biochemical Genetics, MUHC/MCH RESEARCH INSTITUTE
No classification provided. Review status: no classification provided. Collection method: not provided. Allele origin: not provided. Not counted in ClinVar's aggregate classification.

Literature cited by the submitters: PubMed 23764561 (cited by 6 submitters); PubMed 12501224 (cited by 5 submitters); PubMed 17096675 (cited by 4 submitters); PubMed 23430547 (cited by 4 submitters); PubMed 23500595 (cited by 4 submitters); PubMed 27121329 (cited by 4 submitters); PubMed 8659548 (cited by Labcorp Genetics (formerly Invitae), Labcorp); PubMed 21445337 (cited by Labcorp Genetics (formerly Invitae), Labcorp); PubMed 22526846 (cited by Labcorp Genetics (formerly Invitae), Labcorp); PubMed 35281663 (cited by Natera, Inc.); PubMed 31589614 (cited by Quest Diagnostics Nichols Institute San Juan Capistrano); PubMed 17935162 (cited by Quest Diagnostics Nichols Institute San Juan Capistrano); PubMed 23842451 (cited by Quest Diagnostics Nichols Institute San Juan Capistrano); PubMed 34426522 (cited by Quest Diagnostics Nichols Institute San Juan Capistrano); PubMed 30668579 (cited by Quest Diagnostics Nichols Institute San Juan Capistrano); PubMed 35405047 (cited by Quest Diagnostics Nichols Institute San Juan Capistrano); PubMed 17924342 (cited by Counsyl); PubMed 12649065 (cited by Counsyl); PubMed 22388642 (cited by Counsyl).

NM_000277.3(PAH):c.529G>A (p.Val177Met)

Gene: PAH (phenylalanine hydroxylase; minus strand). Cytogenetic location: 12q23.2.
Variant type: single nucleotide variant.
Coding change: c.529G>A on transcript NM_000277.3 (MANE Select); coding-DNA position 529, G replaced by A.
Protein change: p.Val177Met; replaces valine 177 with methionine.
Molecular consequence: missense variant.
Genome position (GRCh38, 1-based): chr12:102,855,313, C>T on the plus strand (G>A on the coding strand, the complement: PAH is on the minus strand). VCF-style: chr12-102855313-C-T. GRCh37 (hg19) VCF-style: chr12-103249091-C-T.
Other names: NM_000277.2(PAH):c.529G>A; c.529G>A, p.Val177Met (NM_001354304.2); c.529G>A (NM_000277.2); short protein forms V177M.
Identifiers: ClinVar variation 102726 (VCV000102726.34), dbSNP rs199475602, ClinGen allele CA229609.
Genomic context (GRCh38, chr12:102,855,313, plus strand): 5'-AGGACTTCAGAGTCTTGAACACTGTGCCCCATGTTTTCTTTTCTTCCTCCATGTATTCCA[C>T]TCGAGGGATGGGCTGCCCACTAGAATACAGGCACAAAATAGGTGTCTCAAGCAGGGCAGG-3'
Protein context (NP_000268.1, residues 167-187): NYRHGQPIPR[Val177Met]EYMEEEKKTW